The following is an entry in ClinVar:

NM_016335.6(PRODH):c.21G>T (p.Leu7=)

Gene: PRODH (proline dehydrogenase 1; minus strand). Cytogenetic location: 22q11.21.
Variant type: single nucleotide variant.
Coding change: c.21G>T on transcript NM_016335.6 (MANE Select); coding-DNA position 21, G replaced by T.
Protein change: p.Leu7=; no amino-acid change (leucine 7 retained).
Molecular consequence: synonymous variant. On other transcripts: intron variant (1).
Genome position (GRCh38, 1-based): chr22:18,936,267, C>A on the plus strand (G>T on the coding strand, the complement: PRODH is on the minus strand). VCF-style: chr22-18936267-C-A. GRCh37 (hg19) VCF-style: chr22-18923780-C-A.
Other names: c.-52+123G>T (NM_001195226.2).
Identifiers: ClinVar variation 1659632 (VCV001659632.15), dbSNP rs539772713, ClinGen allele CA10095512.

ClinVar aggregate classification (germline): Likely benign. Review status: criteria provided, multiple submitters, no conflicts (2 of 4 stars). 3 submissions from 3 submitters: Likely benign (3). Last evaluated 2025-11-13.

Conditions:
Proline dehydrogenase deficiency (HYRPRO1). Also called: PROLINE OXIDASE DEFICIENCY; Hyperprolinemia type 1. Identifiers: Orphanet 419, MedGen C0268529, MONDO:0009400, OMIM 239500.

Allele frequency attached by ClinVar (database versions not stated): 1000 Genomes Project 0.00020; gnomAD exomes 0.00151; ExAC 0.01020.

Submissions (3):

Labcorp Genetics (formerly Invitae), Labcorp
Classification: Likely benign for Proline dehydrogenase deficiency. Last evaluated: 2025-11-13. Review status: criteria provided, single submitter. Criteria: Invitae Variant Classification Sherloc (09022015). Collection method: clinical testing. Allele origin: germline.

CeGaT Center for Human Genetics Tuebingen
Classification: Likely benign. Last evaluated: 2025-10-01. Review status: criteria provided, single submitter. Criteria: CeGaT Center For Human Genetics Tuebingen Variant Classification Criteria Version 2. Collection method: clinical testing. Allele origin: germline. Affected: yes. Observed: 1 variant allele.
Comment: PRODH: PM2:Supporting, BP4, BP7

Blueprint Genetics
Classification: Likely benign. Last evaluated: 2024-10-24. Review status: criteria provided, single submitter. Criteria: ACMG Guidelines, 2015. Collection method: clinical testing. Allele origin: germline.